The following is an entry in ClinVar:

ClinVar aggregate classification (germline): Conflicting classifications of pathogenicity. Review status: criteria provided, conflicting classifications (1 of 4 stars). 3 submissions from 3 submitters: Uncertain significance (2); Likely benign (1). Last evaluated 2026-02-02.

Conditions:
Glycogen storage disease, type V (GSD5). Also called: PYGM DEFICIENCY; McArdle type glycogen storage disease; MCARDLE DISEASE; MUSCLE GLYCOGEN PHOSPHORYLASE DEFICIENCY; MYOPHOSPHORYLASE DEFICIENCY. Identifiers: Orphanet 368, MedGen C0017924, MONDO:0009293, OMIM 232600.

Allele frequency attached by ClinVar (database versions not stated): TOPMed 0.00004; gnomAD 0.00011; 1000 Genomes Project 30x 0.00016; 1000 Genomes Project 0.00020; ExAC 0.00025.
gnomAD v4.1: 119 of 1,608,726 alleles (0.0074%); highest among the groups gnomAD compares: Non-Finnish European, 0.0054%; no homozygotes.

Submissions (3):

Labcorp Genetics (formerly Invitae), Labcorp
Classification: Likely benign for Glycogen storage disease, type V. Last evaluated: 2026-02-02. Review status: criteria provided, single submitter. Criteria: Invitae Variant Classification Sherloc (09022015). Collection method: clinical testing. Allele origin: germline.

Fulgent Genetics
Classification: Uncertain significance for Glycogen storage disease, type V. Last evaluated: 2024-05-07. Review status: criteria provided, single submitter. Criteria: ACMG Guidelines, 2015. Collection method: clinical testing. Allele origin: germline.

Revvity Omics, Revvity
Classification: Uncertain significance for Glycogen storage disease, type V. Last evaluated: 2019-05-30. Review status: criteria provided, single submitter. Criteria: ACMG Guidelines, 2015. Collection method: clinical testing. Allele origin: germline.

NM_005609.4(PYGM):c.1267G>A (p.Val423Ile)

Gene: PYGM (glycogen phosphorylase, muscle associated; minus strand). Cytogenetic location: 11q13.1.
Variant type: single nucleotide variant.
Coding change: c.1267G>A on transcript NM_005609.4 (MANE Select); coding-DNA position 1267, G replaced by A.
Protein change: p.Val423Ile; replaces valine 423 with isoleucine.
Molecular consequence: missense variant.
Genome position (GRCh38, 1-based): chr11:64,753,655, C>T on the plus strand (G>A on the coding strand, the complement: PYGM is on the minus strand). VCF-style: chr11-64753655-C-T. GRCh37 (hg19) VCF-style: chr11-64521127-C-T.
Other names: c.1003G>A, p.Val335Ile (NM_001164716.1); c.1267G>A (NM_005609.2); short protein forms V335I, V423I.
Identifiers: ClinVar variation 2074853 (VCV002074853.9), dbSNP rs201389731, ClinGen allele CA6079932.